The following is an entry in ClinVar:

NM_000506.5(F2):c.423-7G>C

Gene: F2 (coagulation factor II, thrombin; plus strand). Cytogenetic location: 11p11.2.
Variant type: single nucleotide variant.
Coding change: c.423-7G>C on transcript NM_000506.5 (MANE Select); 7 bases into the intron before coding-DNA position 423, G replaced by C.
Molecular consequence: intron variant.
Genome position (GRCh38, 1-based): chr11:46,723,375, G>C. VCF-style: chr11-46723375-G-C. GRCh37 (hg19) VCF-style: chr11-46744925-G-C.
Other names: p.?.
Identifiers: ClinVar variation 256315 (VCV000256315.19), dbSNP rs2070852, ClinGen allele CA5966954.

ClinVar aggregate classification (germline): Benign/Likely benign. Review status: criteria provided, multiple submitters, no conflicts (2 of 4 stars). 12 submissions from 10 submitters: Benign (7); Likely benign (3). 2 of the submissions do not count toward it. Last evaluated 2026-02-04.

Conditions:
Thrombophilia due to thrombin defect (THPH1). Also called: Thrombosis susceptibility; THROMBOPHILIA DUE TO FACTOR 2 DEFECT; Prothrombin-Related Thrombophilia (Factor II); Prothrombin Thrombophilia. Identifiers: MedGen C3160733, MONDO:0008559, OMIM 188050. Disease mechanism: gain of function, loss of function.
Congenital prothrombin deficiency. Also called: Inherited hypoprothrombinemia; Congenital factor II deficiency; Inherited prothrombin deficiency; Factor II deficiency; HYPOPROTHROMBINEMIA; Hereditary factor II deficiency disease. Identifiers: Orphanet 325, MedGen C0272317, MONDO:0013361, OMIM 613679.

Allele frequency attached by ClinVar (database versions not stated): 1000 Genomes Project 30x 0.45284; 1000 Genomes Project 0.45527; TOPMed 0.51255; ESP Exome Variant Server 0.53838; ExAC 0.60261.
gnomAD v4.1: 1,047,248 of 1,613,438 alleles (65%); highest among the groups gnomAD compares: Non-Finnish European, 69%; 352,437 homozygotes.

Submissions (12):

Labcorp Genetics (formerly Invitae), Labcorp
Classification: Benign for Congenital prothrombin deficiency. Last evaluated: 2026-02-04. Review status: criteria provided, single submitter. Criteria: Invitae Variant Classification Sherloc (09022015). Collection method: clinical testing. Allele origin: germline.

Blueprint Genetics
Classification: Likely benign. Last evaluated: 2024-11-27. Review status: criteria provided, single submitter. Criteria: ACMG Guidelines, 2015. Collection method: clinical testing. Allele origin: germline.

Genome-Nilou Lab
Classification: Benign for Congenital prothrombin deficiency. Last evaluated: 2021-08-10. Review status: criteria provided, single submitter. Criteria: ACMG Guidelines, 2015. Collection method: clinical testing. Allele origin: germline. Affected: no.

Genome-Nilou Lab
Classification: Benign for Thrombophilia due to thrombin defect. Last evaluated: 2021-08-10. Review status: criteria provided, single submitter. Criteria: ACMG Guidelines, 2015. Collection method: clinical testing. Allele origin: germline. Affected: no.

GeneDx
Classification: Benign. Last evaluated: 2018-11-11. Review status: criteria provided, single submitter. Criteria: GeneDx Variant Classification Process June 2021. Collection method: clinical testing. Allele origin: germline. Affected: yes.

Illumina Laboratory Services, Illumina
Classification: Likely benign for Thrombophilia due to thrombin defect. Last evaluated: 2018-01-13. Review status: criteria provided, single submitter. Criteria: ICSL Variant Classification Criteria 13 December 2019. Collection method: clinical testing. Allele origin: germline.
Comment: This variant was observed in the ICSL laboratory as part of a predisposition screen in an ostensibly healthy population. It had not been previously curated by ICSL or reported in the Human Gene Mutation Database (HGMD: prior to June 1st, 2018), and was therefore a candidate for classification through an automated scoring system. Utilizing variant allele frequency, disease prevalence and penetrance estimates, and inheritance mode, an automated score was calculated to assess if this variant is too frequent to cause the disease. Based on the score and internal cut-off values, a variant classified as likely benign is not then subjected to further curation. The score for this variant resulted in a classification of likely benign for this disease.

Illumina Laboratory Services, Illumina
Classification: Benign for Congenital prothrombin deficiency. Last evaluated: 2018-01-13. Review status: criteria provided, single submitter. Criteria: ICSL Variant Classification Criteria 13 December 2019. Collection method: clinical testing. Allele origin: germline.
Comment: This variant was observed in the ICSL laboratory as part of a predisposition screen in an ostensibly healthy population. It had not been previously curated by ICSL or reported in the Human Gene Mutation Database (HGMD: prior to June 1st, 2018), and was therefore a candidate for classification through an automated scoring system. Utilizing variant allele frequency, disease prevalence and penetrance estimates, and inheritance mode, an automated score was calculated to assess if this variant is too frequent to cause the disease. Based on the score and internal cut-off values, a variant classified as benign is not then subjected to further curation. The score for this variant resulted in a classification of benign for this disease.

Mayo Clinic Laboratories, Mayo Clinic
Classification: Benign. Last evaluated: 2016-05-25. Review status: criteria provided, single submitter. Criteria: ACMG Guidelines, 2015. Collection method: clinical testing. Allele origin: germline. Observed: 187 variant alleles.

PreventionGenetics, part of Exact Sciences
Classification: Benign. Last evaluated: 2016-01-20. Review status: criteria provided, single submitter. Criteria: ACMG Guidelines, 2015. Collection method: clinical testing. Allele origin: germline.

Breakthrough Genomics
Classification: Likely benign. Review status: criteria provided, single submitter. Criteria: ACMG Guidelines, 2015. Collection method: not provided. Allele origin: germline. Inheritance: Autosomal recessive inheritance. Affected: yes.

Diagnostic Laboratory, Department of Genetics, University Medical Center Groningen
Classification: Benign. Review status: no assertion criteria provided. Collection method: clinical testing. Allele origin: germline. Affected: yes. Study: VKGL Data-share Consensus. Not counted in ClinVar's aggregate classification.

Joint Genome Diagnostic Labs from Nijmegen and Maastricht, Radboudumc and MUMC+
Classification: Benign. Review status: no assertion criteria provided. Collection method: clinical testing. Allele origin: germline. Affected: yes. Study: VKGL Data-share Consensus. Not counted in ClinVar's aggregate classification.